The following is an entry in ClinVar:

NM_000059.4(BRCA2):c.5754dup (p.Lys1919Ter)

Gene: BRCA2 (BRCA2 DNA repair associated; plus strand). Cytogenetic location: 13q13.1.
Variant type: Duplication.
Coding change: c.5754dup on transcript NM_000059.4 (MANE Select); coding-DNA position 5754, one base duplicated (T; older notation c.5754dupT).
Protein change: p.Lys1919Ter; replaces lysine 1919 with a stop codon.
Molecular consequence: nonsense.
Genome position (GRCh38, 1-based): chr13:32,340,109, T duplicated. VCF-style (leftmost placement, unchanged base first): chr13-32340108-A-AT. GRCh37 (hg19) VCF-style: chr13-32914245-A-AT.
Other names: short protein forms K1919*.
Identifiers: ClinVar variation 2907438 (VCV002907438.3), dbSNP rs2548531657, ClinGen allele CA2499222212.

ClinVar aggregate classification (germline): Pathogenic (1 of 4 stars; one submission).

Conditions:
Hereditary breast ovarian cancer syndrome. Also called: Hereditary breast and ovarian cancer syndrome; BRCA1- and BRCA2-Associated Hereditary Breast and Ovarian Cancer; Breast and ovarian cancer; Hereditary breast and ovarian cancer; Hereditary breast and ovarian cancer syndrome (HBOC); Hereditary breast and/or ovarian cancer syndrome. Identifiers: Orphanet 145, MedGen C0677776, MeSH D061325, MONDO:0003582. Disease mechanism: loss of function.

Submission:

Labcorp Genetics (formerly Invitae), Labcorp
Classification: Pathogenic for Hereditary breast ovarian cancer syndrome. Last evaluated: 2024-04-16. Review status: criteria provided, single submitter. Criteria: Invitae Variant Classification Sherloc (09022015). Collection method: clinical testing. Allele origin: germline.
Comment: This sequence change creates a premature translational stop signal (p.Lys1919*) in the BRCA2 gene. It is expected to result in an absent or disrupted protein product. Loss-of-function variants in BRCA2 are known to be pathogenic (PMID: 20104584). This variant is not present in population databases (gnomAD no frequency). This premature translational stop signal has been observed in individual(s) with breast cancer (PMID: 31060593). For these reasons, this variant has been classified as Pathogenic.

Literature cited by the submitters: PubMed 20104584; PubMed 31060593.